The following is an entry in ClinVar:

ClinVar aggregate classification (germline): Uncertain significance (1 of 4 stars; one submission).

gnomAD v4.1: 69 of 1,614,094 alleles (0.0043%); highest among the groups gnomAD compares: Admixed American, 0.0083%; no homozygotes.

Submission:

GeneDx
Classification: Uncertain significance. Last evaluated: 2023-12-06. Review status: criteria provided, single submitter. Criteria: GeneDx Variant Classification Process June 2021. Collection method: clinical testing. Allele origin: germline. Affected: yes.
Comment: Not observed at significant frequency in large population cohorts (gnomAD); In silico analysis supports that this missense variant has a deleterious effect on protein structure/function; Has not been previously published as pathogenic or benign to our knowledge

NM_032409.3(PINK1):c.904C>T (p.Arg302Cys)

Genes: PINK1 (PTEN induced kinase 1; plus strand), PINK1-AS (PINK1 antisense RNA; minus strand). Cytogenetic location: 1p36.12.
Variant type: single nucleotide variant.
Coding change: c.904C>T on transcript NM_032409.3 (MANE Select); coding-DNA position 904, C replaced by T.
Protein change: p.Arg302Cys; replaces arginine 302 with cysteine.
Molecular consequence: missense variant.
Genome position (GRCh38, 1-based): chr1:20,644,617, C>T. VCF-style: chr1-20644617-C-T. GRCh37 (hg19) VCF-style: chr1-20971110-C-T.
Other names: short protein forms R302C.
Identifiers: ClinVar variation 3342457 (VCV003342457.1).
Genomic context (GRCh38, chr1:20,644,617, plus strand): 5'-ACCTCTTCCGTGCCGCTGCTGCCAGGGGCCCTGGTCGACTACCCTGATGTGCTGCCCTCA[C>T]GCCTCCACCCTGAAGGCCTGGGCCATGGCCGGACGCTGTTCCTCGTTATGAAGAAGTAAG-3'
Protein context (NP_115785.1, residues 292-312): LVDYPDVLPS[Arg302Cys]LHPEGLGHGR